The following is an entry in ClinVar:

ClinVar aggregate classification (germline): Uncertain significance. Review status: criteria provided, single submitter (1 of 4 stars). 2 submissions from 2 submitters: Uncertain significance (1). 1 of the submissions does not count toward it. Last evaluated 2019-06-27.

Conditions:
BBS9-related disorder. Also called: BBS9-related condition.

Submissions (2):

Blueprint Genetics
Classification: Uncertain significance. Last evaluated: 2019-06-27. Review status: criteria provided, single submitter. Criteria: ACMG Guidelines, 2015. Collection method: clinical testing. Allele origin: germline.

PreventionGenetics, part of Exact Sciences
Classification: Likely benign for BBS9-related condition. Last evaluated: 2023-05-09. Review status: no assertion criteria provided. Collection method: clinical testing. Allele origin: germline. Not counted in ClinVar's aggregate classification.
Comment: This variant is classified as likely benign based on ACMG/AMP sequence variant interpretation guidelines (Richards et al. 2015 PMID: 25741868, with internal and published modifications).

NM_198428.3(BBS9):c.328+4A>G

Gene: BBS9 (Bardet-Biedl syndrome 9; plus strand). Cytogenetic location: 7p14.3.
Variant type: single nucleotide variant.
Coding change: c.328+4A>G on transcript NM_198428.3 (MANE Select); 4 bases into the intron after coding-DNA position 328, A replaced by G.
Molecular consequence: intron variant.
Genome position (GRCh38, 1-based): chr7:33,155,706, A>G. VCF-style: chr7-33155706-A-G. GRCh37 (hg19) VCF-style: chr7-33195318-A-G.
Other names: c.328+4A>G (NM_001348036.1, NM_001362679.1, NM_001348041.4 and 5 more transcripts); c.55+4A>G (NM_001348038.3, NM_001348039.3); c.-39+2855A>G (NM_001348037.3, NM_001348045.3); c.193+4A>G (NM_001348042.3); c.-38-21772A>G (NM_001348046.3, NM_001348044.3).
Identifiers: ClinVar variation 3351930 (VCV003351930.2).